The following is an entry in ClinVar:

NM_002497.4(NEK2):c.97-2A>G

Gene: NEK2 (NIMA related kinase 2; minus strand). Cytogenetic location: 1q32.3.
Variant type: single nucleotide variant.
Coding change: c.97-2A>G on transcript NM_002497.4 (MANE Select); the canonical splice acceptor site of the intron before coding-DNA position 97, A replaced by G.
Molecular consequence: splice acceptor variant.
Genome position (GRCh38, 1-based): chr1:211,674,515, T>C on the plus strand (A>G on the coding strand, the complement: NEK2 is on the minus strand). VCF-style: chr1-211674515-T-C. GRCh37 (hg19) VCF-style: chr1-211847857-T-C.
Other names: c.97-2A>G (NM_001204182.2, NM_001204183.2).
Identifiers: ClinVar variation 1032832 (VCV001032832.10), dbSNP rs201869074, ClinGen allele CA1381754.
Genomic context (GRCh38, chr1:211,674,515, plus strand): 5'-AGCATCTGTTTCTCAGCTTCTGTCATGGAGCCATAGTCAAGTTCTTTCCAAACTAATATC[T>C]GAAATAAGAATTTCCAAGGTATGAATGAACTCATTATGCTCAAAAACAAAGAATGAAAGT-3'

ClinVar aggregate classification (germline): Uncertain significance. Review status: criteria provided, multiple submitters, no conflicts (2 of 4 stars). 3 submissions from 3 submitters: Uncertain significance (3). Last evaluated 2025-09-29.

Conditions:
Retinitis pigmentosa 67 (RP67). Identifiers: Orphanet 791, MedGen C3809954, MONDO:0014256, OMIM 615565.

Allele frequency attached by ClinVar (database versions not stated): ESP Exome Variant Server 0.00015; gnomAD exomes 0.00015 and 0.00037; ExAC 0.00020; gnomAD 0.00022 and 0.00023; TOPMed 0.00023.
gnomAD v4.1: 575 of 1,597,296 alleles (0.036%); highest among the groups gnomAD compares: Non-Finnish European, 0.046%; no homozygotes.

Submissions (5):

Labcorp Genetics (formerly Invitae), Labcorp
Classification: Uncertain significance. Last evaluated: 2025-09-29. Review status: criteria provided, single submitter. Criteria: Invitae Variant Classification Sherloc (09022015). Collection method: clinical testing. Allele origin: germline.
Comment: This sequence change affects an acceptor splice site in intron 1 of the NEK2 gene. It is expected to disrupt RNA splicing. Variants that disrupt the donor or acceptor splice site typically lead to a loss of protein function (PMID: 16199547), however the current clinical and genetic evidence is not sufficient to establish whether loss-of-function variants in NEK2 cause disease. This variant is present in population databases (rs201869074, gnomAD 0.03%). This variant has not been reported in the literature in individuals affected with NEK2-related conditions. ClinVar contains an entry for this variant (Variation ID: 1032832). Algorithms developed to predict the effect of sequence changes on RNA splicing suggest that this variant may disrupt the consensus splice site. In summary, the available evidence is currently insufficient to determine the role of this variant in disease. Therefore, it has been classified as a Variant of Uncertain Significance.

Blueprint Genetics
Classification: Uncertain significance. Last evaluated: 2024-09-25. Review status: criteria provided, single submitter. Criteria: ACMG Guidelines, 2015. Collection method: clinical testing. Allele origin: germline.

Baylor Genetics
Classification: Uncertain significance for Retinitis pigmentosa 67. Review status: criteria provided, single submitter. Criteria: ACMG Guidelines, 2015. Collection method: clinical testing. Allele origin: unknown.

Dr. Peter K. Rogan Lab, Western University
No classification provided (evidence only). Condition: Lung cancer. Review status: no classification provided. Collection method: in vitro. Allele origin: not applicable. Functional consequence: retained intron. Not counted in ClinVar's aggregate classification.

Dr. Peter K. Rogan Lab, Western University
No classification provided (evidence only). Condition: Thymoma. Review status: no classification provided. Collection method: in vitro. Allele origin: not applicable. Functional consequence: retained intron. Not counted in ClinVar's aggregate classification.

Literature cited by the submitters: PubMed 16199547 (cited by Labcorp Genetics (formerly Invitae), Labcorp).